The following is an entry in ClinVar:

NM_000038.6(APC):c.1813G>C (p.Asp605His)

Gene: APC (APC regulator of Wnt signaling pathway; plus strand). Cytogenetic location: 5q22.2.
Variant type: single nucleotide variant.
Coding change: c.1813G>C on transcript NM_000038.6 (MANE Select); coding-DNA position 1813, G replaced by C.
Protein change: p.Asp605His; replaces aspartic acid 605 with histidine.
Molecular consequence: missense variant.
Genome position (GRCh38, 1-based): chr5:112,835,020, G>C. VCF-style: chr5-112835020-G-C. GRCh37 (hg19) VCF-style: chr5-112170717-G-C.
Other names: c.1813G>C, p.Asp605His (NM_001127510.3, NM_001354895.2, NM_001407450.1); c.1759G>C, p.Asp587His (NM_001127511.3); c.1867G>C, p.Asp623His (NM_001354896.2, NM_001407447.1, NM_001407448.1 and 1 more transcripts); c.1843G>C, p.Asp615His (NM_001354897.2); c.1738G>C, p.Asp580His (NM_001354898.2); c.1729G>C, p.Asp577His (NM_001354899.2); c.1690G>C, p.Asp564His (NM_001354900.2); c.1636G>C, p.Asp546His (NM_001354901.2, NM_001407453.1); and 11 more; short protein forms D221H, D564H, D577H, D587H, D504H, D514H, D522H, D595H.
Identifiers: ClinVar variation 1780633 (VCV001780633.2), dbSNP rs1060503278, ClinGen allele CA16025288.

ClinVar aggregate classification (germline): Uncertain significance (1 of 4 stars; one submission).

Conditions:
Hereditary cancer-predisposing syndrome. Also called: Neoplastic Syndromes, Hereditary; Tumor predisposition; Hereditary Cancer Syndrome; Hereditary neoplastic syndrome. Identifiers: Orphanet 140162, MedGen C0027672, MeSH D009386, MONDO:0015356.

Submission:

Ambry Genetics
Classification: Uncertain significance for Hereditary cancer-predisposing syndrome. Last evaluated: 2022-04-10. Review status: criteria provided, single submitter. Criteria: Ambry Variant Classification Scheme 2023. Collection method: clinical testing. Allele origin: germline.
Comment: The p.D605H variant (also known as c.1813G>C), located in coding exon 14 of the APC gene, results from a G to C substitution at nucleotide position 1813. The aspartic acid at codon 605 is replaced by histidine, an amino acid with similar properties. This amino acid position is conserved. In addition, in silico predictors for this gene do not accurately predict pathogenicity. Since supporting evidence is limited at this time, the clinical significance of this alteration remains unclear.